The following is an entry in ClinVar:

NM_000038.6(APC):c.933+1630C>T

Gene: APC (APC regulator of WNT signaling pathway; plus strand). Cytogenetic location: 5q22.2.
Variant type: single nucleotide variant.
Coding change: c.933+1630C>T on transcript NM_000038.6 (MANE Select); 1630 bases into the intron after coding-DNA position 933, C replaced by T.
Molecular consequence: intron variant.
Genome position (GRCh38, 1-based): chr5:112,817,223, C>T. VCF-style: chr5-112817223-C-T. GRCh37 (hg19) VCF-style: chr5-112152920-C-T.
Other names: c.933+1630C>T (NM_001354895.2, NM_001127510.3, NM_001354896.2 and 1 more transcripts); c.963+1630C>T (NM_001354897.2, NM_001354902.2); c.879+1630C>T (NM_001127511.3); c.858+1630C>T (NM_001354898.2, NM_001354904.2); c.84+1630C>T (NM_001354906.2); c.849+1630C>T (NM_001354899.2); c.756+1630C>T (NM_001354900.2, NM_001354901.2, NM_001354905.2).
Identifiers: ClinVar variation 83109 (VCV000083109.2), dbSNP rs17164132, ClinGen allele CA015731.

ClinVar aggregate classification (germline): other (0 of 4 stars; one submission).

Conditions:
Familial colorectal cancer. Identifiers: MedGen CN280943, MONDO:0023113. Disease mechanism: loss of function.

Allele frequency attached by ClinVar (database versions not stated): gnomAD 0.10292 and 0.10450; TOPMed 0.10898; 1000 Genomes Project 30x 0.13913; 1000 Genomes Project 0.14038.
gnomAD v4.1: 15,539 of 152,126 alleles (10%); highest among the groups gnomAD compares: African/African-American, 25%; 1,474 homozygotes.

Submission:

Systems Biology Platform Zhejiang California International NanoSystems Institute
Classification: other for Familial colorectal cancer. Review status: no assertion criteria provided. Collection method: not provided. Allele origin: unknown.
ClinVar note: Converted during submission from cancer to other.